The following is an entry in ClinVar:

ClinVar aggregate classification (germline): Uncertain significance (1 of 4 stars; one submission).

Conditions:
Atypical hemolytic-uremic syndrome. Identifiers: Orphanet 2134, MedGen C2931788, MONDO:0016244.

gnomAD v4.1: 13 of 1,606,402 alleles (0.00081%); highest among the groups gnomAD compares: South Asian, 0.0022%; no homozygotes.

Submission:

Genomenon, Inc
Classification: Uncertain significance for Atypical hemolytic-uremic syndrome. Last evaluated: 2025-10-02. Review status: criteria provided, single submitter. Criteria: Genomenon Sequence Variant Interpretation Standards. Collection method: curation. Allele origin: germline. Affected: yes.
Comment: CD46 p.Arg103Gln (c.308G>A) is a missense variant that changes the amino acid at residue 103 from Arginine to Glutamine. This variant has been observed in at least one proband affected with atypical hemolytic-uremic syndrome (PMID:23431077). It is absent or not present at a significant frequency in gnomAD. In conclusion, we classify CD46 p.Arg103Gln (c.308G>A) as a variant of uncertain significance.

Literature cited by the submitters: PubMed 23431077.

NM_172351.3(CD46):c.308G>A (p.Arg103Gln)

Gene: CD46 (CD46 molecule; plus strand). Cytogenetic location: 1q32.2.
Variant type: single nucleotide variant.
Coding change: c.308G>A on transcript NM_172351.3 (MANE Select); coding-DNA position 308, G replaced by A.
Protein change: p.Arg103Gln; replaces arginine 103 with glutamine.
Molecular consequence: missense variant.
Genome position (GRCh38, 1-based): chr1:207,757,561, G>A. VCF-style: chr1-207757561-G-A. GRCh37 (hg19) VCF-style: chr1-207930906-G-A.
Other names: c.308G>A, p.Arg103Gln (NM_002389.4, NM_153826.4, NM_172350.3 and 8 more transcripts); short protein forms R103Q.
Identifiers: ClinVar variation 4291256 (VCV004291256.1).